The following is an entry in ClinVar:

ClinVar aggregate classification (germline): Uncertain significance (1 of 4 stars; one submission).

Allele frequency attached by ClinVar (database versions not stated): ExAC 0.00001; TOPMed 0.00002; gnomAD 0.00003; ESP Exome Variant Server 0.00008.
gnomAD v4.1: 8 of 1,614,054 alleles (0.0005%); highest among the groups gnomAD compares: African/African-American, 0.008%; no homozygotes.

Submission:

Labcorp Genetics (formerly Invitae), Labcorp
Classification: Uncertain significance. Last evaluated: 2022-01-21. Review status: criteria provided, single submitter. Criteria: Invitae Variant Classification Sherloc (09022015). Collection method: clinical testing. Allele origin: germline.
Comment: This sequence change replaces glycine, which is neutral and non-polar, with alanine, which is neutral and non-polar, at codon 862 of the BMP1 protein (p.Gly862Ala). This variant is present in population databases (rs137965451, gnomAD 0.01%). This variant has not been reported in the literature in individuals affected with BMP1-related conditions. Algorithms developed to predict the effect of missense changes on protein structure and function (SIFT, PolyPhen-2, Align-GVGD) all suggest that this variant is likely to be disruptive. In summary, the available evidence is currently insufficient to determine the role of this variant in disease. Therefore, it has been classified as a Variant of Uncertain Significance.

NM_006129.5(BMP1):c.2585G>C (p.Gly862Ala)

Gene: BMP1 (bone morphogenetic protein 1; plus strand). Cytogenetic location: 8p21.3.
Variant type: single nucleotide variant.
Coding change: c.2585G>C on transcript NM_006129.5 (MANE Select); coding-DNA position 2585, G replaced by C.
Protein change: p.Gly862Ala; replaces glycine 862 with alanine.
Molecular consequence: missense variant. On other transcripts: non-coding transcript variant (1).
Genome position (GRCh38, 1-based): chr8:22,209,454, G>C. VCF-style: chr8-22209454-G-C. GRCh37 (hg19) VCF-style: chr8-22066967-G-C.
Other names: short protein forms G862A.
Identifiers: ClinVar variation 1930925 (VCV001930925.2), dbSNP rs137965451, ClinGen allele CA4665320.